The following is an entry in ClinVar:

ClinVar aggregate classification (germline): Pathogenic/Likely pathogenic. Review status: criteria provided, multiple submitters, no conflicts (2 of 4 stars). 2 submissions from 2 submitters: Pathogenic (1); Likely pathogenic (1). Last evaluated 2024-02-08.

Conditions:
Developmental and epileptic encephalopathy, 11 (DEE11). Also called: Early infantile epileptic encephalopathy 11. Identifiers: Orphanet 1934, MedGen C3150987, MONDO:0013388, OMIM 613721.
Seizures, benign familial infantile, 3 (BFIS3). Also called: Familial neonatal seizures; CONVULSIONS, BENIGN FAMILIAL INFANTILE, 3. Identifiers: Orphanet 140927, Orphanet 306, MedGen C1843140, MONDO:0011904, OMIM 607745.

Submissions (2):

Labcorp Genetics (formerly Invitae), Labcorp
Classification: Pathogenic for Seizures, benign familial infantile, 3; Developmental and epileptic encephalopathy, 11. Last evaluated: 2024-02-08. Review status: criteria provided, single submitter. Criteria: Invitae Variant Classification Sherloc (09022015). Collection method: clinical testing. Allele origin: germline.
Comment: This sequence change replaces isoleucine, which is neutral and non-polar, with phenylalanine, which is neutral and non-polar, at codon 1640 of the SCN2A protein (p.Ile1640Phe). This variant is not present in population databases (gnomAD no frequency). This missense change has been observed in individual(s) with clinical features of SCN2A-related conditions (PMID: 30619928; Invitae). In at least one individual the variant was observed to be de novo. ClinVar contains an entry for this variant (Variation ID: 835364). Advanced modeling of protein sequence and biophysical properties (such as structural, functional, and spatial information, amino acid conservation, physicochemical variation, residue mobility, and thermodynamic stability) performed at Invitae indicates that this missense variant is expected to disrupt SCN2A protein function with a positive predictive value of 95%. For these reasons, this variant has been classified as Pathogenic.

CENTOGENE GmbH and LLC - Guiding Precision Medicine
Classification: Likely pathogenic for Developmental and epileptic encephalopathy, 11. Last evaluated: 2019-05-08. Review status: criteria provided, single submitter. Criteria: ACMG Guidelines, 2015. Collection method: clinical testing. Allele origin: de novo. Affected: yes.

Literature cited by the submitters: PubMed 30619928 (cited by Labcorp Genetics (formerly Invitae), Labcorp).

NM_001040142.2(SCN2A):c.4918A>T (p.Ile1640Phe)

Gene: SCN2A (sodium voltage-gated channel alpha subunit 2; plus strand). Cytogenetic location: 2q24.3.
Variant type: single nucleotide variant.
Coding change: c.4918A>T on transcript NM_001040142.2 (MANE Select); coding-DNA position 4918, A replaced by T.
Protein change: p.Ile1640Phe; replaces isoleucine 1640 with phenylalanine.
Molecular consequence: missense variant.
Genome position (GRCh38, 1-based): chr2:165,388,724, A>T. VCF-style: chr2-165388724-A-T. GRCh37 (hg19) VCF-style: chr2-166245234-A-T.
Other names: c.4918A>T, p.Ile1640Phe (NM_001040143.2, NM_001371246.1, NM_001371247.1 and 1 more transcripts); short protein forms I1640F.
Identifiers: ClinVar variation 835364 (VCV000835364.11), dbSNP rs1702006673, ClinGen allele CA349037785.